The following is an entry in ClinVar:

NM_000350.3(ABCA4):c.2769A>G (p.Pro923=)

Gene: ABCA4 (ATP binding cassette subfamily A member 4; minus strand). Cytogenetic location: 1p22.1.
Variant type: single nucleotide variant.
Coding change: c.2769A>G on transcript NM_000350.3 (MANE Select); coding-DNA position 2769, A replaced by G.
Protein change: p.Pro923=; no amino-acid change (proline 923 retained).
Molecular consequence: synonymous variant.
Genome position (GRCh38, 1-based): chr1:94,047,068, T>C on the plus strand (A>G on the coding strand, the complement: ABCA4 is on the minus strand). VCF-style: chr1-94047068-T-C. GRCh37 (hg19) VCF-style: chr1-94512624-T-C.
Other names: c.2547A>G, p.Pro849= (NM_001425324.1); c.2769A>G (NM_000350.2).
Identifiers: ClinVar variation 1116587 (VCV001116587.11), dbSNP rs562861525, ClinGen allele CA958157.

ClinVar aggregate classification (germline): Likely benign. Review status: criteria provided, multiple submitters, no conflicts (2 of 4 stars). 3 submissions from 3 submitters: Likely benign (3). Last evaluated 2025-12-18.

Conditions:
ABCA4-related disorder. Also called: ABCA4-related disorders; ABCA4-related condition. Identifiers: MedGen CN239167.

Allele frequency attached by ClinVar (database versions not stated): ExAC 0.00001; gnomAD exomes 0.00001; TOPMed 0.00006; gnomAD 0.00009; 1000 Genomes Project 0.00020; 1000 Genomes Project 30x 0.00031.
gnomAD v4.1: 40 of 1,614,150 alleles (0.0025%); highest among the groups gnomAD compares: African/African-American, 0.049%; no homozygotes.

Submissions (3):

PreventionGenetics, part of Exact Sciences
Classification: Likely benign for ABCA4-related condition. Last evaluated: 2025-12-18. Review status: criteria provided, single submitter. Criteria: ACMG Guidelines, 2015. Collection method: clinical testing. Allele origin: germline.
Comment: This variant is classified as likely benign based on ACMG/AMP sequence variant interpretation guidelines (Richards et al. 2015 PMID: 25741868, with internal and published modifications).

Labcorp Genetics (formerly Invitae), Labcorp
Classification: Likely benign. Last evaluated: 2025-09-02. Review status: criteria provided, single submitter. Criteria: Invitae Variant Classification Sherloc (09022015). Collection method: clinical testing. Allele origin: germline.

Blueprint Genetics
Classification: Likely benign. Last evaluated: 2022-05-04. Review status: criteria provided, single submitter. Criteria: ACMG Guidelines, 2015. Collection method: clinical testing. Allele origin: germline.